The following is an entry in ClinVar:

NM_000528.4(MAN2B1):c.2147T>A (p.Val716Glu)

Gene: MAN2B1 (mannosidase alpha class 2B member 1; minus strand). Cytogenetic location: 19p13.13.
Variant type: single nucleotide variant.
Coding change: c.2147T>A on transcript NM_000528.4 (MANE Select); coding-DNA position 2147, T replaced by A.
Protein change: p.Val716Glu; replaces valine 716 with glutamic acid.
Molecular consequence: missense variant.
Genome position (GRCh38, 1-based): chr19:12,650,122, A>T on the plus strand (T>A on the coding strand, the complement: MAN2B1 is on the minus strand). VCF-style: chr19-12650122-A-T. GRCh37 (hg19) VCF-style: chr19-12760936-A-T.
Other names: c.2144T>A, p.Val715Glu (NM_001173498.2); short protein forms V716E, V715E.
Identifiers: ClinVar variation 2124883 (VCV002124883.4), dbSNP rs2512489914, ClinGen allele CA404243163.

ClinVar aggregate classification (germline): Uncertain significance (1 of 4 stars; one submission).

Conditions:
Deficiency of alpha-mannosidase (MANSA). Also called: Mannosidosis, alpha-, types I and II; Alpha-Mannosidosis; LYSOSOMAL ALPHA-D-MANNOSIDASE DEFICIENCY. Identifiers: Orphanet 61, MedGen C0024748, MONDO:0009561, OMIM 248500.

Submission:

Labcorp Genetics (formerly Invitae), Labcorp
Classification: Uncertain significance for Deficiency of alpha-mannosidase. Last evaluated: 2022-04-11. Review status: criteria provided, single submitter. Criteria: Invitae Variant Classification Sherloc (09022015). Collection method: clinical testing. Allele origin: germline.
Comment: In summary, the available evidence is currently insufficient to determine the role of this variant in disease. Therefore, it has been classified as a Variant of Uncertain Significance. Advanced modeling of protein sequence and biophysical properties (such as structural, functional, and spatial information, amino acid conservation, physicochemical variation, residue mobility, and thermodynamic stability) performed at Invitae indicates that this missense variant is expected to disrupt MAN2B1 protein function. This variant has not been reported in the literature in individuals affected with MAN2B1-related conditions. This variant is not present in population databases (gnomAD no frequency). This sequence change replaces valine, which is neutral and non-polar, with glutamic acid, which is acidic and polar, at codon 716 of the MAN2B1 protein (p.Val716Glu).